The following is an entry in ClinVar:

ClinVar aggregate classification (germline): Uncertain significance (1 of 4 stars; one submission).

Allele frequency attached by ClinVar (database versions not stated): TOPMed below 0.00001; ExAC 0.00001.
gnomAD v4.1: 4 of 1,613,742 alleles (0.00025%); highest among the groups gnomAD compares: East Asian, 0.0045%; no homozygotes.

Submission:

Labcorp Genetics (formerly Invitae), Labcorp
Classification: Uncertain significance. Last evaluated: 2022-08-17. Review status: criteria provided, single submitter. Criteria: Invitae Variant Classification Sherloc (09022015). Collection method: clinical testing. Allele origin: germline.
Comment: This sequence change replaces histidine, which is basic and polar, with arginine, which is basic and polar, at codon 30 of the PEX11B protein (p.His30Arg). This variant is present in population databases (rs782598440, gnomAD 0.006%). This variant has not been reported in the literature in individuals affected with PEX11B-related conditions. Algorithms developed to predict the effect of missense changes on protein structure and function (SIFT, PolyPhen-2, Align-GVGD) all suggest that this variant is likely to be tolerated. In summary, the available evidence is currently insufficient to determine the role of this variant in disease. Therefore, it has been classified as a Variant of Uncertain Significance.

NM_003846.3(PEX11B):c.89A>G (p.His30Arg)

Gene: PEX11B (peroxisomal biogenesis factor 11 beta; minus strand). Cytogenetic location: 1q21.1.
Variant type: single nucleotide variant.
Coding change: c.89A>G on transcript NM_003846.3 (MANE Select); coding-DNA position 89, A replaced by G.
Protein change: p.His30Arg; replaces histidine 30 with arginine.
Molecular consequence: missense variant. On other transcripts: non-coding transcript variant (3).
Genome position (GRCh38, 1-based): chr1:145,917,784, T>C on the plus strand (A>G on the coding strand, the complement: PEX11B is on the minus strand). VCF-style: chr1-145917784-T-C. GRCh37 (hg19) VCF-style: chr1-145517305-A-G.
Other names: c.47A>G, p.His16Arg (NM_001184795.1); short protein forms H30R, H16R.
Identifiers: ClinVar variation 1923779 (VCV001923779.5), dbSNP rs782598440, ClinGen allele CA1055502.